The following is an entry in ClinVar:

ClinVar aggregate classification (germline): Uncertain significance. Review status: criteria provided, multiple submitters, no conflicts (2 of 4 stars). 2 submissions from 2 submitters: Uncertain significance (2). Last evaluated 2025-04-03.

Conditions:
Inborn genetic diseases. Identifiers: MedGen C0950123, MeSH D030342.

Allele frequency attached by ClinVar (database versions not stated): ExAC 0.00001; gnomAD 0.00001; TOPMed 0.00001.
gnomAD v4.1: 5 of 1,613,866 alleles (0.00031%); highest among the groups gnomAD compares: African/African-American, 0.0027%; no homozygotes.

Submissions (2):

Ambry Genetics
Classification: Uncertain significance for Inborn genetic diseases. Last evaluated: 2025-04-03. Review status: criteria provided, single submitter. Criteria: Ambry Variant Classification Scheme 2023. Collection method: clinical testing. Allele origin: germline.

Labcorp Genetics (formerly Invitae), Labcorp
Classification: Uncertain significance. Last evaluated: 2023-03-14. Review status: criteria provided, single submitter. Criteria: Invitae Variant Classification Sherloc (09022015). Collection method: clinical testing. Allele origin: germline.
Comment: In summary, the available evidence is currently insufficient to determine the role of this variant in disease. Therefore, it has been classified as a Variant of Uncertain Significance. An algorithm developed to predict the effect of missense changes on protein structure and function (PolyPhen-2) suggests that this variant is likely to be tolerated. This variant has not been reported in the literature in individuals affected with ANKRD26-related conditions. This variant is present in population databases (rs765509362, gnomAD 0.01%). This sequence change replaces histidine, which is basic and polar, with arginine, which is basic and polar, at codon 349 of the ANKRD26 protein (p.His349Arg).

NM_014915.3(ANKRD26):c.1046A>G (p.His349Arg)

Gene: ANKRD26 (ankyrin repeat domain 26; minus strand). Cytogenetic location: 10p12.1.
Variant type: single nucleotide variant.
Coding change: c.1046A>G on transcript NM_014915.3 (MANE Select); coding-DNA position 1046, A replaced by G.
Protein change: p.His349Arg; replaces histidine 349 with arginine.
Molecular consequence: missense variant.
Genome position (GRCh38, 1-based): chr10:27,077,369, T>C on the plus strand (A>G on the coding strand, the complement: ANKRD26 is on the minus strand). VCF-style: chr10-27077369-T-C. GRCh37 (hg19) VCF-style: chr10-27366298-T-C.
Other names: c.1046A>G, p.His349Arg (NM_001256053.2); short protein forms H349R.
Identifiers: ClinVar variation 2889930 (VCV002889930.5), dbSNP rs765509362, ClinGen allele CA5448710.
Genomic context (GRCh38, chr10:27,077,369, plus strand): 5'-TGAAAAAAGTTTTTTAAAAAACAACTTACCTTCATAAGACCAGGGTTTGCTAACGACTTG[T>C]GGGAAGGTTTTGGAAGAAGGTCAGGTGATTGATAGGTAGGATGAGAAAAGCACTGGACTT-3'
Protein context (NP_055730.2, residues 339-359): QSPDLLPKPS[His349Arg]KSLANPGLMK